The following is an entry in ClinVar:

NM_022436.3(ABCG5):c.328C>A (p.Leu110Met)

Gene: ABCG5 (ATP binding cassette subfamily G member 5; minus strand). Cytogenetic location: 2p21.
Variant type: single nucleotide variant.
Coding change: c.328C>A on transcript NM_022436.3 (MANE Select); coding-DNA position 328, C replaced by A.
Protein change: p.Leu110Met; replaces leucine 110 with methionine.
Molecular consequence: missense variant.
Genome position (GRCh38, 1-based): chr2:43,832,021, G>T on the plus strand (C>A on the coding strand, the complement: ABCG5 is on the minus strand). VCF-style: chr2-43832021-G-T. GRCh37 (hg19) VCF-style: chr2-44059160-G-T.
Other names: short protein forms L110M.
Identifiers: ClinVar variation 3415824 (VCV003415824.1).

ClinVar aggregate classification (germline): Uncertain significance (1 of 4 stars; one submission).

Conditions:
Cardiovascular phenotype. Identifiers: MedGen CN230736.

gnomAD v4.1: 1 of 1,571,646 alleles (0.000064%); highest among the groups gnomAD compares: Non-Finnish European, 0.000086%; no homozygotes.

Submission:

Ambry Genetics
Classification: Uncertain significance for Cardiovascular phenotype. Last evaluated: 2024-08-25. Review status: criteria provided, single submitter. Criteria: Ambry Variant Classification Scheme 2023. Collection method: clinical testing. Allele origin: germline.
Comment: The p.L110M variant (also known as c.328C>A), located in coding exon 3 of the ABCG5 gene, results from a C to A substitution at nucleotide position 328. The leucine at codon 110 is replaced by methionine, an amino acid with highly similar properties. This amino acid position is conserved. In addition, this alteration is predicted to be tolerated by in silico analysis. Based on the available evidence, the clinical significance of this variant remains unclear.